The following is an entry in ClinVar:

NM_001312673.2(PCYT1A):c.1010C>T (p.Pro337Leu)

Gene: PCYT1A (phosphate cytidylyltransferase 1A, choline; minus strand). Cytogenetic location: 3q29.
Variant type: single nucleotide variant.
Coding change: c.1010C>T on transcript NM_001312673.2 (MANE Select); coding-DNA position 1010, C replaced by T.
Protein change: p.Pro337Leu; replaces proline 337 with leucine.
Molecular consequence: missense variant.
Genome position (GRCh38, 1-based): chr3:196,238,782, G>A on the plus strand (C>T on the coding strand, the complement: PCYT1A is on the minus strand). VCF-style: chr3-196238782-G-A. GRCh37 (hg19) VCF-style: chr3-195965653-G-A.
Other names: c.1010C>T, p.Pro337Leu (NM_005017.4); short protein forms P337L.
Identifiers: ClinVar variation 833696 (VCV000833696.34), dbSNP rs148500335, ClinGen allele CA2779347.

ClinVar aggregate classification (germline): Likely benign. Review status: criteria provided, multiple submitters, no conflicts (2 of 4 stars). 5 submissions from 5 submitters: Likely benign (5). Last evaluated 2026-09-15.

Conditions:
PCYT1A-related disorder. Also called: PCYT1A-related condition.

Allele frequency attached by ClinVar (database versions not stated): 1000 Genomes Project 30x 0.00016; 1000 Genomes Project 0.00020; TOPMed 0.00051; ESP Exome Variant Server 0.00062.
gnomAD v4.1: 903 of 1,588,962 alleles (0.057%); highest among the groups gnomAD compares: Non-Finnish European, 0.069%; 2 homozygotes.

Submissions (5):

PreventionGenetics, part of Exact Sciences
Classification: Likely benign for PCYT1A-related condition. Last evaluated: 2026-09-15. Review status: criteria provided, single submitter. Criteria: ACMG Guidelines, 2015. Collection method: clinical testing. Allele origin: germline.
Comment: This variant is classified as likely benign based on ACMG/AMP sequence variant interpretation guidelines (Richards et al. 2015 PMID: 25741868, with internal and published modifications).

Labcorp Genetics (formerly Invitae), Labcorp
Classification: Likely benign. Last evaluated: 2025-12-22. Review status: criteria provided, single submitter. Criteria: Invitae Variant Classification Sherloc (09022015). Collection method: clinical testing. Allele origin: germline.

Laboratory of Genetics, Children's Clinical University Hospital Latvia
Classification: Likely benign. Last evaluated: 2025-02-16. Review status: criteria provided, single submitter. Criteria: ACMG Guidelines, 2015. Collection method: clinical testing. Allele origin: germline. Affected: yes.

Blueprint Genetics
Classification: Likely benign. Last evaluated: 2024-10-24. Review status: criteria provided, single submitter. Criteria: ACMG Guidelines, 2015. Collection method: clinical testing. Allele origin: germline.

CeGaT Center for Human Genetics Tuebingen
Classification: Likely benign. Last evaluated: 2024-02-01. Review status: criteria provided, single submitter. Criteria: CeGaT Center For Human Genetics Tuebingen Variant Classification Criteria Version 2. Collection method: clinical testing. Allele origin: germline. Affected: yes. Observed: 1 variant allele.
Comment: PCYT1A: BS2